The following is an entry in ClinVar:

NM_001171.6(ABCC6):c.1315G>C (p.Val439Leu)

Gene: ABCC6 (ATP binding cassette subfamily C member 6; minus strand). Cytogenetic location: 16p13.11.
Variant type: single nucleotide variant.
Coding change: c.1315G>C on transcript NM_001171.6 (MANE Select); coding-DNA position 1315, G replaced by C.
Protein change: p.Val439Leu; replaces valine 439 with leucine.
Molecular consequence: missense variant. On other transcripts: non-coding transcript variant (4).
Genome position (GRCh38, 1-based): chr16:16,198,044, C>G on the plus strand (G>C on the coding strand, the complement: ABCC6 is on the minus strand). VCF-style: chr16-16198044-C-G. GRCh37 (hg19) VCF-style: chr16-16291901-C-G.
Other names: c.973G>C, p.Val325Leu (NM_001351800.1); c.1315G>C, p.Val439Leu (NM_001440309.1, NM_001440310.1); short protein forms V439L, V325L.
Identifiers: ClinVar variation 4994052 (VCV004994052.1).

ClinVar aggregate classification (germline): Uncertain significance (1 of 4 stars; one submission).

Conditions:
ABCC6-related disorder. Also called: ABCC6-related condition.

Submission:

PreventionGenetics, part of Exact Sciences
Classification: Uncertain significance for ABCC6-related condition. Last evaluated: 2026-06-08. Review status: criteria provided, single submitter. Criteria: ACMG Guidelines, 2015. Collection method: clinical testing. Allele origin: germline.
Comment: The ABCC6 c.1315G>C variant is predicted to result in the amino acid substitution p.Val439Leu. To our knowledge, this variant has not been reported in the literature. This variant is present in 0.0033% of alleles in individuals of South Asian descent in gnomAD. At this time, the clinical significance of this variant is uncertain due to the absence of conclusive functional and genetic evidence.